The following is an entry in ClinVar:

ClinVar aggregate classification (germline): Uncertain significance (1 of 4 stars; one submission).

Conditions:
Hereditary hemochromatosis (HFE). Identifiers: MedGen C0392514, MONDO:0006507. Disease mechanism: loss of function.

Submission:

Labcorp Genetics (formerly Invitae), Labcorp
Classification: Uncertain significance for Hereditary hemochromatosis. Last evaluated: 2024-12-15. Review status: criteria provided, single submitter. Criteria: Invitae Variant Classification Sherloc (09022015). Collection method: clinical testing. Allele origin: germline.
Comment: This sequence change replaces lysine, which is basic and polar, with arginine, which is basic and polar, at codon 83 of the HAMP protein (p.Lys83Arg). This variant is present in population databases (rs767080313, gnomAD 0.0009%). This missense change has been observed in individual(s) with clinical features of HAMP-related disorders (PMID: 18809758). An algorithm developed to predict the effect of missense changes on protein structure and function outputs the following: PolyPhen-2: "Benign". The arginine amino acid residue is found in multiple mammalian species, which suggests that this missense change does not adversely affect protein function. Experimental studies have shown that this missense change does not substantially affect HAMP function (PMID: 16141345). In summary, the available evidence is currently insufficient to determine the role of this variant in disease. Therefore, it has been classified as a Variant of Uncertain Significance.

Literature cited by the submitters: PubMed 18809758; PubMed 16141345.

NM_021175.4(HAMP):c.248A>G (p.Lys83Arg)

Gene: HAMP (hepcidin antimicrobial peptide; plus strand). Cytogenetic location: 19q13.12.
Variant type: single nucleotide variant.
Coding change: c.248A>G on transcript NM_021175.4 (MANE Select); coding-DNA position 248, A replaced by G.
Protein change: p.Lys83Arg; replaces lysine 83 with arginine.
Molecular consequence: missense variant.
Genome position (GRCh38, 1-based): chr19:35,285,035, A>G. VCF-style: chr19-35285035-A-G. GRCh37 (hg19) VCF-style: chr19-35775938-A-G.
Other names: short protein forms K83R.
Identifiers: ClinVar variation 3616719 (VCV003616719.2).
Genomic context (GRCh38, chr19:35,285,035, plus strand): 5'-TCCCCATCTGCATTTTCTGCTGCGGCTGCTGTCATCGATCAAAGTGTGGGATGTGCTGCA[A>G]GACGTAGAACCTACCTGCCCTGCCCCCGTCCCCTCCCTTCCTTATTTATTCCTGCTGCCC-3'
Protein context (NP_066998.1, residues 73-84): CHRSKCGMCC[Lys83Arg]T